The following is an entry in ClinVar:

ClinVar aggregate classification (germline): Uncertain significance (1 of 4 stars; one submission).

Allele frequency attached by ClinVar (database versions not stated): gnomAD exomes below 0.00001; ExAC 0.00001.
gnomAD v4.1: 1 of 1,612,182 alleles (0.000062%); highest among the groups gnomAD compares: African/African-American, 0.0013%; no homozygotes.

Submission:

Labcorp Genetics (formerly Invitae), Labcorp
Classification: Uncertain significance. Last evaluated: 2022-11-03. Review status: criteria provided, single submitter. Criteria: Invitae Variant Classification Sherloc (09022015). Collection method: clinical testing. Allele origin: germline.
Comment: This sequence change replaces valine, which is neutral and non-polar, with phenylalanine, which is neutral and non-polar, at codon 227 of the MTTP protein (p.Val227Phe). This variant is not present in population databases (gnomAD no frequency). This variant has not been reported in the literature in individuals affected with MTTP-related conditions. Advanced modeling of protein sequence and biophysical properties (such as structural, functional, and spatial information, amino acid conservation, physicochemical variation, residue mobility, and thermodynamic stability) performed at Invitae indicates that this missense variant is not expected to disrupt MTTP protein function. In summary, the available evidence is currently insufficient to determine the role of this variant in disease. Therefore, it has been classified as a Variant of Uncertain Significance.

NM_001386140.1(MTTP):c.679G>T (p.Val227Phe)

Gene: MTTP (microsomal triglyceride transfer protein; plus strand). Cytogenetic location: 4q23.
Variant type: single nucleotide variant.
Coding change: c.679G>T on transcript NM_001386140.1 (MANE Select); coding-DNA position 679, G replaced by T.
Protein change: p.Val227Phe; replaces valine 227 with phenylalanine.
Molecular consequence: missense variant.
Genome position (GRCh38, 1-based): chr4:99,591,711, G>T. VCF-style: chr4-99591711-G-T. GRCh37 (hg19) VCF-style: chr4-100512868-G-T.
Other names: c.679G>T, p.Val227Phe (NM_000253.4); c.430G>T, p.Val144Phe (NM_001300785.2); short protein forms V144F, V227F.
Identifiers: ClinVar variation 1983172 (VCV001983172.1), dbSNP rs768758928, ClinGen allele CA3021918.